The following is an entry in ClinVar:

ClinVar aggregate classification (germline): Uncertain significance (1 of 4 stars; one submission).

Conditions:
Hereditary cancer-predisposing syndrome. Also called: Neoplastic Syndromes, Hereditary; Tumor predisposition; Hereditary Cancer Syndrome; Hereditary neoplastic syndrome. Identifiers: Orphanet 140162, MedGen C0027672, MeSH D009386, MONDO:0015356.

Allele frequency attached by ClinVar (database versions not stated): gnomAD exomes below 0.00001.

Submission:

Ambry Genetics
Classification: Uncertain significance for Hereditary cancer-predisposing syndrome. Last evaluated: 2024-11-16. Review status: criteria provided, single submitter. Criteria: Ambry Variant Classification Scheme 2023. Collection method: clinical testing. Allele origin: germline.
Comment: The p.I58F variant (also known as c.172A>T), located in coding exon 3 of the MUTYH gene, results from an A to T substitution at nucleotide position 172. The isoleucine at codon 58 is replaced by phenylalanine, an amino acid with highly similar properties. This amino acid position is poorly conserved in available vertebrate species. In addition, this alteration is predicted to be tolerated by in silico analysis. Since supporting evidence is limited at this time, the clinical significance of this alteration remains unclear.

NM_001128425.2(MUTYH):c.172A>T (p.Ile58Phe)

Gene: MUTYH (mutY DNA glycosylase; minus strand). Cytogenetic location: 1p34.1.
Variant type: single nucleotide variant.
Coding change: c.172A>T on transcript NM_001128425.2 (MANE Plus Clinical); coding-DNA position 172, A replaced by T.
Protein change: p.Ile58Phe; replaces isoleucine 58 with phenylalanine.
Molecular consequence: missense variant. On other transcripts: intron variant (10).
Genome position (GRCh38, 1-based): chr1:45,333,589, T>A on the plus strand (A>T on the coding strand, the complement: MUTYH is on the minus strand). VCF-style: chr1-45333589-T-A. GRCh37 (hg19) VCF-style: chr1-45799261-T-A.
Other names: c.121A>T, p.Ile41Phe (NM_001293191.2, NM_001407077.1); c.163A>T, p.Ile55Phe (NM_001407069.1, NM_012222.3); c.4A>T, p.Ile2Phe (NM_001407075.1); c.130A>T, p.Ile44Phe (NM_001407083.1, NM_001407085.1); c.-92-92A>T (NM_001350651.2); c.-97-92A>T (NM_001293192.2, NM_001293196.2); c.-156-28A>T (NM_001350650.2); c.116-28A>T (NM_001048171.2, NM_001048173.2, NM_001048174.2 and 1 more transcripts); and 2 more; short protein forms I58F, I2F, I41F, I44F, I55F.
Identifiers: ClinVar variation 1778938 (VCV001778938.3), dbSNP rs2524291095, ClinGen allele CA340136816.